The following is an entry in ClinVar:

ClinVar aggregate classification (germline): Conflicting classifications of pathogenicity. Review status: criteria provided, conflicting classifications (1 of 4 stars). 8 submissions from 8 submitters: Pathogenic (1); Likely pathogenic (1); Uncertain significance (6). Last evaluated 2026-04-10.

Conditions:
Primary ciliary dyskinesia. Also called: Ciliary dyskinesia. Identifiers: Orphanet 244, MedGen C0008780, MONDO:0016575, HP:0012265.
Primary ciliary dyskinesia 7. Also called: CILIARY DYSKINESIA, PRIMARY, 7, WITH OR WITHOUT SITUS INVERSUS. Identifiers: Orphanet 244, MedGen C2678473, MONDO:0012748, OMIM 611884.

Allele frequency attached by ClinVar (database versions not stated): gnomAD 0.00001; gnomAD exomes 0.00001; TOPMed 0.00003.
gnomAD v4.1: 25 of 1,613,592 alleles (0.0015%); highest among the groups gnomAD compares: Admixed American, 0.0033%; no homozygotes.

Submissions (8):

Molecular Genetics McLendon Clinical Laboratories, University of North Carolina at Chapel Hill
Classification: Uncertain significance for Primary ciliary dyskinesia. Last evaluated: 2026-04-10. Review status: criteria provided, single submitter. Criteria: ACMG Guidelines, 2015. Collection method: clinical testing. Allele origin: germline.

Broad Center for Mendelian Genomics, Broad Institute of MIT and Harvard
Classification: Uncertain significance for Primary ciliary dyskinesia 7. Last evaluated: 2025-02-12. Review status: criteria provided, single submitter. Criteria: ACMG Guidelines, 2015. Collection method: curation. Allele origin: germline. Inheritance: Autosomal recessive inheritance.
Comment: The p.Arg1627Cys variant in DNAH11 has not been previously reported in the literature in individuals with primary ciliary dyskinesia, but has been identified in 0.003% (2/59986) of Admixed American chromosomes by the Genome Aggregation Database (gnomAD; dbSNP rs727502967). Although this variant has been seen in the general population in a heterozygous state, its frequency is low enough to be consistent with a recessive carrier frequency. This variant has also been reported in ClinVar (Variation ID: 163104) and has been interpreted as pathogenic by Ambry Genetics and variant of uncertain significance by Mass General Brigham Personalized Medicine, Invitae, and Johns Hopkins Genomics. Computational prediction tools and conservation analyses suggest that this variant may impact the protein, though this information is not predictive enough to determine pathogenicity. In summary, the clinical significance of the p.Arg1627Cys variant is uncertain. ACMG/AMP Criteria applied: PP3_moderate, PM2_supporting (Richards 2015).

Fulgent Genetics
Classification: Likely pathogenic for Primary ciliary dyskinesia 7. Last evaluated: 2024-04-17. Review status: criteria provided, single submitter. Criteria: ACMG Guidelines, 2015. Collection method: clinical testing. Allele origin: germline.

Women's Health and Genetics/Laboratory Corporation of America, LabCorp
Classification: Uncertain significance. Last evaluated: 2024-04-12. Review status: criteria provided, single submitter. Criteria: LabCorp Variant Classification Summary - May 2015. Collection method: clinical testing. Allele origin: germline.
Comment: Variant summary: DNAH11 c.4879C>T (p.Arg1627Cys) results in a non-conservative amino acid change in the encoded protein sequence. Five of five in-silico tools predict a damaging effect of the variant on protein function. The variant allele was found at a frequency of 8e-06 in 249020 control chromosomes (gnomAD). The available data on variant occurrences in the general population are insufficient to allow any conclusion about variant significance. To our knowledge, no occurrence of c.4879C>T in individuals affected with Primary Ciliary Dyskinesia 7 and no experimental evidence demonstrating its impact on protein function have been reported. ClinVar contains an entry for this variant (Variation ID: 163104). Based on the evidence outlined above, the variant was classified as uncertain significance.

Labcorp Genetics (formerly Invitae), Labcorp
Classification: Uncertain significance for Primary ciliary dyskinesia. Last evaluated: 2022-08-15. Review status: criteria provided, single submitter. Criteria: Invitae Variant Classification Sherloc (09022015). Collection method: clinical testing. Allele origin: germline.
Comment: This sequence change replaces arginine, which is basic and polar, with cysteine, which is neutral and slightly polar, at codon 1627 of the DNAH11 protein (p.Arg1627Cys). The frequency data for this variant in the population databases is considered unreliable, as metrics indicate poor data quality at this position in the gnomAD database. This missense change has been observed in individual(s) with heterotaxy and primary ciliary dyskinesia (Invitae). ClinVar contains an entry for this variant (Variation ID: 163104). Advanced modeling of protein sequence and biophysical properties (such as structural, functional, and spatial information, amino acid conservation, physicochemical variation, residue mobility, and thermodynamic stability) performed at Invitae indicates that this missense variant is expected to disrupt DNAH11 protein function. This variant disrupts the p.Arg1627 amino acid residue in DNAH11. Other variant(s) that disrupt this residue have been observed in individuals with DNAH11-related conditions (PMID: 31772028; Invitae), which suggests that this may be a clinically significant amino acid residue. In summary, the available evidence is currently insufficient to determine the role of this variant in disease. Therefore, it has been classified as a Variant of Uncertain Significance.

Ambry Genetics
Classification: Pathogenic for Primary ciliary dyskinesia. Last evaluated: 2021-08-26. Review status: criteria provided, single submitter. Criteria: Ambry Variant Classification Scheme 2023. Collection method: clinical testing. Allele origin: germline.
Comment: The p.R1627C pathogenic mutation (also known as c.4879C>T), located in coding exon 28 of the DNAH11 gene, results from a C to T substitution at nucleotide position 4879. The arginine at codon 1627 is replaced by cysteine, an amino acid with highly dissimilar properties. This mutation has been detected in multiple individuals with a clinical diagnosis or suspicion of primary ciliary dyskinesia, who have another pathogenic mutation in DNAH11 (internal Ambry data). This variant is considered to be rare based on population cohorts in the Genome Aggregation Database (gnomAD). This amino acid position is highly conserved in available vertebrate species. In addition, this alteration is predicted to be deleterious by in silico analysis. Based on the supporting evidence, this alteration is interpreted as a disease-causing mutation.

Johns Hopkins Genomics, Johns Hopkins University
Classification: Uncertain significance for Primary ciliary dyskinesia 7. Last evaluated: 2020-10-20. Review status: criteria provided, single submitter. Criteria: ACMG Guidelines, 2015. Collection method: clinical testing. Allele origin: germline.
Comment: This DNAH11 variant (rs727502967) is rare (<0.1%) in a large population dataset (gnomAD: 3/280426 total alleles; 0.001%; no homozygotes) and has not been reported in ClinVar nor the literature, to our knowledge. Two bioinformatic tools queried predict that this substitution would be damaging, and the arginine residue at this position is highly evolutionarily conserved across most species assessed. Due to insufficient evidence that this variant is deleterious, we consider the clinical significance of c.4879C>T to be uncertain at this time.

Laboratory for Molecular Medicine, Mass General Brigham Personalized Medicine
Classification: Uncertain significance. Last evaluated: 2013-09-27. Review status: criteria provided, single submitter. Criteria: LMM Criteria. Collection method: clinical testing. Allele origin: germline. Observed: 1 variant allele.
Comment: The Arg1627Cys variant in DNAH11 has not been previously reported in individuals with lung disease or in large population studies. This residue is conserved in evolution and computational analyses (biochemical amino acid properties, AlignGV GD, PolyPhen2, and SIFT) predict that this variant will impact the normal functi on of the protein. In summary, this information is insufficient to establish the the clinical significance of the Arg1627Cys variant.

Literature cited by the submitters: PubMed 31772028 (cited by Labcorp Genetics (formerly Invitae), Labcorp).

NM_001277115.2(DNAH11):c.4879C>T (p.Arg1627Cys)

Gene: DNAH11 (dynein axonemal heavy chain 11; plus strand). Cytogenetic location: 7p15.3.
Variant type: single nucleotide variant.
Coding change: c.4879C>T on transcript NM_001277115.2 (MANE Select); coding-DNA position 4879, C replaced by T.
Protein change: p.Arg1627Cys; replaces arginine 1627 with cysteine.
Molecular consequence: missense variant.
Genome position (GRCh38, 1-based): chr7:21,639,000, C>T. VCF-style: chr7-21639000-C-T. GRCh37 (hg19) VCF-style: chr7-21678618-C-T.
Other names: NM_001277115.2(DNAH11):c.4879C>T; short protein forms R1627C.
Identifiers: ClinVar variation 163104 (VCV000163104.16), dbSNP rs727502967, ClinGen allele CA175718.